The following is an entry in ClinVar:

NM_000132.4(F8):c.2163G>T (p.Met721Ile)

Gene: F8 (coagulation factor VIII; minus strand). Cytogenetic location: Xq28.
Variant type: single nucleotide variant.
Coding change: c.2163G>T on transcript NM_000132.4 (MANE Select); coding-DNA position 2163, G replaced by T.
Protein change: p.Met721Ile; replaces methionine 721 with isoleucine.
Molecular consequence: missense variant.
Genome position (GRCh38, 1-based): chrX:154,931,627, C>A on the plus strand (G>T on the coding strand, the complement: F8 is on the minus strand). VCF-style: chrX-154931627-C-A. GRCh37 (hg19) VCF-style: chrX-154159902-C-A.
Other names: short protein forms M721I.
Identifiers: ClinVar variation 1699285 (VCV001699285.3), dbSNP rs1218576358, ClinGen allele CA414903707.

ClinVar aggregate classification (germline): Pathogenic (1 of 4 stars; one submission).

Conditions:
Hereditary factor VIII deficiency disease (HEMA). Also called: HEMOPHILIA, CLASSIC; AUTOSOMAL HEMOPHILIA A; Hemophilia A; Hemophilia A, congenital; HEM A; Factor 8 deficiency, congenital. Identifiers: Orphanet 98878, MedGen C0019069, MONDO:0010602, OMIM 306700.

Submission:

Victorian Clinical Genetics Services, Murdoch Childrens Research Institute
Classification: Pathogenic for Hereditary factor VIII deficiency disease. Last evaluated: 2022-06-24. Review status: criteria provided, single submitter. Criteria: ACMG Guidelines, 2015. Collection method: clinical testing. Allele origin: germline. Inheritance: X-linked recessive inheritance.
Comment: Based on the classification scheme VCGS_Germline_v1.3.4, this variant is classified as pathogenic. The following criteria are met: 0102 - Loss of function is a known mechanism of disease in this gene and is associated with haemophilia A (MIM#306700). (I) 0109 - This gene is associated with X-linked recessive disease. (I) 0200 - Variant is predicted to result in a missense amino acid change from methionine to isoleucine. (I) 0251 - This variant is heterozygous. (I) 0301 - Variant is absent from gnomAD (both v2 and v3). (SP) 0501 - Missense variant consistently predicted to be damaging by multiple in silico tools and very highly conserved with a minor amino acid change. (SP) 0602 - Variant is located in a hotspot region or cluster of pathogenic variants (DECIPHER). (SP) 0802 - This variant has moderate previous evidence of pathogenicity in unrelated individuals. Two alternative variants, c.2163G>A and c.2163G>C, resulting in the same substitution, Met721Ile (also referred to as Met702Ile due to alternative nomenclature, have previously been reported in at least three patients with severe haemophilia A (PMID: 11858487, 18387975, 29296726, 32166871 (EAHAD F8 database)) (SP) 0905 - No published segregation evidence has been identified for this variant. (I) 1007 - No published functional evidence has been identified for this variant. (I) 0702 - Other missense variants comparable to the one identified in this case have strong previous evidence for pathogenicity. Four alternative changes (Met721Leu, Met721Val, Met721Thr and Met721Lys) have been reported in individuals with haemophilia A (ClinVar, PMID: 21910785, 29296726, 26897466). (SP) Legend: (SP) - Supporting pathogenic, (I) - Information, (SB) - Supporting benign

Literature cited by the submitters: PubMed 11858487; PubMed 18387975; PubMed 21910785; PubMed 26897466; PubMed 29296726; PubMed 32166871.